The following is an entry in ClinVar:

ClinVar aggregate classification (germline): Benign/Likely benign. Review status: criteria provided, multiple submitters, no conflicts (2 of 4 stars). 17 submissions from 16 submitters: Benign (12); Likely benign (1). 4 of the submissions do not count toward it. Last evaluated 2026-02-04.

Conditions:
Ehlers-Danlos syndrome (EDS). Identifiers: Orphanet 98249, MedGen C0013720, MONDO:0020066.
Familial thoracic aortic aneurysm and aortic dissection (TAAD). Also called: Thoracic aortic aneurysms and dissections. Identifiers: Orphanet 91387, MedGen C4707243, MONDO:0019625.
Congenital contractural arachnodactyly (CCA). Also called: Arthrogryposis, distal, type 9; Beals-Hecht syndrome; BEALS SYNDROME. Identifiers: Orphanet 115, MedGen C0220668, MONDO:0007363, OMIM 121050.
Connective tissue disorder. Also called: Connective tissue disease. Identifiers: MedGen C0009782, MONDO:0003900.

Allele frequency attached by ClinVar (database versions not stated): 1000 Genomes Project 0.01318; 1000 Genomes Project 30x 0.01390; ExAC 0.01468; gnomAD exomes 0.01594 and 0.02478; gnomAD 0.01801 and 0.01862; TOPMed 0.02035; ESP Exome Variant Server 0.02153.
gnomAD v4.1: 38,890 of 1,612,682 alleles (2.4%); highest among the groups gnomAD compares: Non-Finnish European, 2.9%; 602 homozygotes.

Submissions (17):

Labcorp Genetics (formerly Invitae), Labcorp
Classification: Benign for Congenital contractural arachnodactyly. Last evaluated: 2026-02-04. Review status: criteria provided, single submitter. Criteria: Invitae Variant Classification Sherloc (09022015). Collection method: clinical testing. Allele origin: germline.

ARUP Laboratories, Molecular Genetics and Genomics, ARUP Laboratories
Classification: Benign. Last evaluated: 2025-07-28. Review status: criteria provided, single submitter. Criteria: ARUP Molecular Germline Variant Investigation Process 2024. Collection method: clinical testing. Allele origin: germline.

Blueprint Genetics
Classification: Likely benign. Last evaluated: 2024-11-26. Review status: criteria provided, single submitter. Criteria: ACMG Guidelines, 2015. Collection method: clinical testing. Allele origin: germline.

Genome Diagnostics Laboratory, The Hospital for Sick Children
Classification: Benign for Ehlers-Danlos syndrome. Last evaluated: 2022-07-14. Review status: criteria provided, single submitter. Criteria: ACMG Guidelines, 2015. Collection method: clinical testing. Allele origin: germline.

Genome Diagnostics Laboratory, The Hospital for Sick Children
Classification: Benign for Connective tissue disorder. Last evaluated: 2021-08-17. Review status: criteria provided, single submitter. Criteria: ACMG Guidelines, 2015. Collection method: clinical testing. Allele origin: germline.

Illumina Laboratory Services, Illumina
Classification: Benign for Congenital contractural arachnodactyly. Last evaluated: 2018-01-12. Review status: criteria provided, single submitter. Criteria: ICSL Variant Classification Criteria 13 December 2019. Collection method: clinical testing. Allele origin: germline.
Comment: This variant was observed in the ICSL laboratory as part of a predisposition screen in an ostensibly healthy population. It had not been previously curated by ICSL or reported in the Human Gene Mutation Database (HGMD: prior to June 1st, 2018), and was therefore a candidate for classification through an automated scoring system. Utilizing variant allele frequency, disease prevalence and penetrance estimates, and inheritance mode, an automated score was calculated to assess if this variant is too frequent to cause the disease. Based on the score and internal cut-off values, a variant classified as benign is not then subjected to further curation. The score for this variant resulted in a classification of benign for this disease.

Women's Health and Genetics/Laboratory Corporation of America, LabCorp
Classification: Benign. Last evaluated: 2017-03-29. Review status: criteria provided, single submitter. Criteria: LabCorp Variant Classification Summary - May 2015. Collection method: clinical testing. Allele origin: germline.
Comment: Variant summary: The FBN2 c.3015G>A (p.Leu1005Leu) variant involves the alteration of a non-conserved nucleotide, resulting in a synonymous change. One in silico tool predicts a damaging outcome for this variant. 5/5 splice prediction tools predict no significant impact on normal splicing. ESE finder predicts that this variant may affect multiple ESE sites. However, these predictions have yet to be confirmed by functional studies. This variant was found in 1779/121186 control chromosomes (20 homozygotes) at a frequency of 0.0146799, which is approximately 11744 times the estimated maximal expected allele frequency of a pathogenic FBN2 variant (0.0000013), suggesting this variant is likely a benign polymorphism. In addition, multiple clinical diagnostic laboratories/reputable databases classified this variant as benign. Taken together, this variant is classified as benign.

Mayo Clinic Laboratories, Mayo Clinic
Classification: Benign. Last evaluated: 2015-05-27. Review status: criteria provided, single submitter. Criteria: ACMG Guidelines, 2015. Collection method: clinical testing. Allele origin: germline. Observed: 67 variant alleles.

Ambry Genetics
Classification: Benign for Familial thoracic aortic aneurysm and aortic dissection. Last evaluated: 2014-12-12. Review status: criteria provided, single submitter. Criteria: Ambry Variant Classification Scheme 2023. Collection method: clinical testing. Allele origin: germline.

Genome Diagnostics Laboratory, University Medical Center Utrecht
Classification: Benign for Congenital contractural arachnodactyly. Last evaluated: 2014-10-10. Review status: criteria provided, single submitter. Criteria: ACGS Guidelines, 2013. Collection method: clinical testing. Allele origin: germline. Affected: yes. Study: VKGL Data-share Consensus.

Laboratory for Molecular Medicine, Mass General Brigham Personalized Medicine
Classification: Benign. Last evaluated: 2013-04-04. Review status: criteria provided, single submitter. Criteria: LMM Criteria. Collection method: clinical testing. Allele origin: germline. Observed: 2 variant alleles.
Comment: Leu1005Leu in exon 24 of FBN2: This variant is not expected to have clinical sig nificance because it does not alter an amino acid residue and is not located wit hin the splice consensus sequence. It has been identified in 2.9% (247/8600) of European American chromosomes from a broad population by the NHLBI Exome Sequenc ing Project (dbSNP rs28763946).

GeneDx
Classification: Benign. Last evaluated: 2013-03-28. Review status: criteria provided, single submitter. Criteria: GeneDx Variant Classification (06012015). Collection method: clinical testing. Allele origin: germline. Affected: yes.
Comment: This variant is considered likely benign or benign based on one or more of the following criteria: it is a conservative change, it occurs at a poorly conserved position in the protein, it is predicted to be benign by multiple in silico algorithms, and/or has population frequency not consistent with disease.

PreventionGenetics, part of Exact Sciences
Classification: Benign. Review status: criteria provided, single submitter. Criteria: ACMG Guidelines, 2015. Collection method: clinical testing. Allele origin: germline.

Genome Diagnostics Laboratory, Amsterdam University Medical Center
Classification: Benign for Congenital contractural arachnodactyly. Last evaluated: 2014-11-19. Review status: no assertion criteria provided. Criteria: ACGS Guidelines, 2013. Collection method: clinical testing. Allele origin: germline. Affected: yes. Study: VKGL Data-share Consensus. Not counted in ClinVar's aggregate classification.

Clinical Genetics DNA and cytogenetics Diagnostics Lab, Erasmus MC, Erasmus Medical Center
Classification: Benign. Review status: no assertion criteria provided. Collection method: clinical testing. Allele origin: germline. Affected: yes. Study: VKGL Data-share Consensus. Not counted in ClinVar's aggregate classification.

Genetic Services Laboratory, University of Chicago
Classification: Likely benign for AllHighlyPenetrant. Review status: no assertion criteria provided. Collection method: clinical testing. Allele origin: germline. Inheritance: Autosomal dominant inheritance. Not counted in ClinVar's aggregate classification.
Comment: Likely benign based on allele frequency in 1000 Genomes Project or ESP global frequency and its presence in a patient with a rare or unrelated disease phenotype. NOT Sanger confirmed.

Laboratory of Diagnostic Genome Analysis, Leiden University Medical Center (LUMC)
Classification: Benign. Review status: no assertion criteria provided. Collection method: clinical testing. Allele origin: germline. Affected: yes. Study: VKGL Data-share Consensus. Not counted in ClinVar's aggregate classification.

NM_001999.4(FBN2):c.3015G>A (p.Leu1005=)

Genes: FBN2 (fibrillin 2; minus strand), LOC126807501 (BRD4-independent group 4 enhancer GRCh37_chr5:127680731-127681930; plus strand). Cytogenetic location: 5q23.3.
Variant type: single nucleotide variant.
Coding change: c.3015G>A on transcript NM_001999.4 (MANE Select); coding-DNA position 3015, G replaced by A.
Protein change: p.Leu1005=; no amino-acid change (leucine 1005 retained).
Molecular consequence: synonymous variant.
Genome position (GRCh38, 1-based): chr5:128,345,559, C>T on the plus strand (G>A on the coding strand, the complement: FBN2 is on the minus strand). VCF-style: chr5-128345559-C-T. GRCh37 (hg19) VCF-style: chr5-127681251-C-T.
Other names: p.L1005L:TTG>TTA; p.Leu1005=.
Identifiers: ClinVar variation 129040 (VCV000129040.47), dbSNP rs28763946, ClinGen allele CA288820.